The following is an entry in ClinVar:

ClinVar aggregate classification (germline): not provided (0 of 4 stars; one submission).

Allele frequency attached by ClinVar (database versions not stated): gnomAD exomes 0.00004; ESP Exome Variant Server 0.00008; 1000 Genomes Project 30x 0.00016; 1000 Genomes Project 0.00020; ExAC 0.00002; TOPMed 0.00002; gnomAD 0.00004.
gnomAD v4.1: 38 of 1,572,654 alleles (0.0024%); highest among the groups gnomAD compares: Non-Finnish European, 0.003%; no homozygotes.

Submission:

ITMI
No classification provided. Condition: AllHighlyPenetrant. Last evaluated: 2013-09-19. Review status: no classification provided. Collection method: reference population. Allele origin: germline.
Comment: Please see associated publication for description of ethnicities

Literature cited by the submitters: PubMed 24728327.

NM_001405607.1(PBRM1):c.4954G>A (p.Asp1652Asn)

Gene: PBRM1 (polybromo 1; minus strand). Cytogenetic location: 3p21.1.
Variant type: single nucleotide variant.
Coding change: c.4954G>A on transcript NM_001405607.1 (MANE Select); coding-DNA position 4954, G replaced by A.
Protein change: p.Asp1652Asn; replaces aspartic acid 1652 with asparagine.
Molecular consequence: missense variant. On other transcripts: non-coding transcript variant (2).
Genome position (GRCh38, 1-based): chr3:52,548,224, C>T on the plus strand (G>A on the coding strand, the complement: PBRM1 is on the minus strand). VCF-style: chr3-52548224-C-T. GRCh37 (hg19) VCF-style: chr3-52582240-C-T.
Other names: c.4696G>A, p.Asp1566Asn (NM_001350074.2, NM_001350078.2, NM_001366070.2); c.4744G>A, p.Asp1582Asn (NM_001350075.2, NM_001394872.1, NM_001400474.1 and 8 more transcripts); c.4693G>A, p.Asp1565Asn (NM_001350076.2, NM_001405586.1); c.4687G>A, p.Asp1563Asn (NM_001350077.2); c.4576G>A, p.Asp1526Asn (NM_001350079.2); c.4816G>A, p.Asp1606Asn (NM_001366071.2); c.4651G>A, p.Asp1551Asn (NM_001366072.2); c.4642G>A, p.Asp1548Asn (NM_001366073.2); and 41 more; short protein forms D1530N, D1531N, D1541N, D1526N, D1548N, D1563N, D1565N, D1566N.
Identifiers: ClinVar variation 135009 (VCV000135009.1), dbSNP rs201397730, ClinGen allele CA161384.
Genomic context (GRCh38, chr3:52,548,224, plus strand): 5'-CTTTGCTTTTCAGCCAGTGAGAGGGTAGGCGGCTCTCCTGTTCTTTCGACAAATGGACGT[C>T]GCGTCTTCGAGCTGAAAATTAAAGTACAGAGAGACAGAAATTAGAATTTTAAGTTGGCAA-3'
Protein context (NP_001392536.1, residues 1642-1662): WDQTLAARRR[Asp1652Asn]VHLSKEQESR